The following is an entry in ClinVar:

NM_000151.4(G6PC1):c.546dup (p.Ala183fs)

Gene: G6PC1 (glucose-6-phosphatase catalytic subunit 1; plus strand). Cytogenetic location: 17q21.31.
Variant type: Duplication.
Coding change: c.546dup on transcript NM_000151.4 (MANE Select); coding-DNA position 546, one base duplicated (T; older notation c.546dupT).
Protein change: p.Ala183fs; shifts the reading frame from alanine 183.
Molecular consequence: frameshift variant.
Genome position (GRCh38, 1-based): chr17:42,909,402, T duplicated; the last of 2 consecutive T bases (chr17:42,909,401-42,909,402); duplicating either gives the same sequence. VCF-style (leftmost placement, unchanged base first): chr17-42909400-G-GT. GRCh37 (hg19) VCF-style: chr17-41061417-G-GT.
Other names: c.469dup, p.Cys157fs (NM_001270397.2); short protein forms A183fs, C157fs.
Identifiers: ClinVar variation 4535067 (VCV004535067.6).

ClinVar aggregate classification (germline): Likely pathogenic (1 of 4 stars; one submission).

Submission:

CeGaT Center for Human Genetics Tuebingen
Classification: Likely pathogenic. Last evaluated: 2025-10-01. Review status: criteria provided, single submitter. Criteria: CeGaT Center For Human Genetics Tuebingen Variant Classification Criteria Version 2. Collection method: clinical testing. Allele origin: germline. Affected: yes. Observed: 1 variant allele.
Comment: G6PC1: PVS1:Strong, PM2, PP4:Moderate, PM3:Supporting